The following is an entry in ClinVar:

NM_001035.3(RYR2):c.12339C>A (p.Thr4113=)

Gene: RYR2 (ryanodine receptor 2; plus strand). Cytogenetic location: 1q43.
Variant type: single nucleotide variant.
Coding change: c.12339C>A on transcript NM_001035.3 (MANE Select); coding-DNA position 12339, C replaced by A.
Protein change: p.Thr4113=; no amino-acid change (threonine 4113 retained).
Molecular consequence: synonymous variant.
Genome position (GRCh38, 1-based): chr1:237,784,051, C>A. VCF-style: chr1-237784051-C-A. GRCh37 (hg19) VCF-style: chr1-237947351-C-A.
Identifiers: ClinVar variation 3071683 (VCV003071683.4), dbSNP rs1262480455, ClinGen allele CA424032168.

ClinVar aggregate classification (germline): Likely benign. Review status: criteria provided, multiple submitters, no conflicts (2 of 4 stars). 3 submissions from 3 submitters: Likely benign (3). Last evaluated 2025-09-14.

Conditions:
Catecholaminergic polymorphic ventricular tachycardia (CVPT). Also called: Catecholamine-induced polymorphic ventricular tachycardia. Identifiers: Orphanet 3286, MedGen C5574922, MONDO:0017990.
Catecholaminergic polymorphic ventricular tachycardia 1. Also called: VENTRICULAR TACHYCARDIA, CATECHOLAMINERGIC POLYMORPHIC, 1, WITH OR WITHOUT ATRIAL DYSFUNCTION AND/OR DILATED CARDIOMYOPATHY; RYR2-Related Catecholaminergic Polymorphic Ventricular Tachycardia; VENTRICULAR TACHYCARDIA, STRESS-INDUCED POLYMORPHIC 1. Identifiers: Orphanet 3286, MedGen C1631597, MONDO:0011484, OMIM 604772.
Cardiomyopathy (CMYO). Also called: Cardiomyopathies. Identifiers: Orphanet 167848, MedGen C0878544, MONDO:0004994, HP:0001638. Inheritance: Various modes of inheritance.

Allele frequency attached by ClinVar (database versions not stated): gnomAD 0.00001.
gnomAD v4.1: 9 of 1,613,874 alleles (0.00056%); highest among the groups gnomAD compares: Admixed American, 0.015%; no homozygotes.

Submissions (3):

Labcorp Genetics (formerly Invitae), Labcorp
Classification: Likely benign for Catecholaminergic polymorphic ventricular tachycardia 1. Last evaluated: 2025-09-14. Review status: criteria provided, single submitter. Criteria: Invitae Variant Classification Sherloc (09022015). Collection method: clinical testing. Allele origin: germline.

All of Us Research Program, National Institutes of Health
Classification: Likely benign for Catecholaminergic polymorphic ventricular tachycardia. Last evaluated: 2023-11-20. Review status: criteria provided, single submitter. Criteria: ACMG Guidelines, 2015. Collection method: clinical testing. Allele origin: germline. Inheritance: Autosomal dominant inheritance. Observed: 2 variant alleles, 2 heterozygotes.
Comment: This study involves interpretation of variants in research participants for the purpose of population health screening. Participant phenotype was not available at the time of variant classification. Additional details can be found in publication PMID: 35346344, PMCID: PMC8962531

Color Diagnostics, LLC DBA Color Health
Classification: Likely benign for Cardiomyopathy. Last evaluated: 2022-11-06. Review status: criteria provided, single submitter. Criteria: ACMG Guidelines, 2015. Collection method: clinical testing. Allele origin: germline.